The following is an entry in ClinVar:

NM_001148.6(ANK2):c.8804C>T (p.Ser2935Phe)

Gene: ANK2 (ankyrin 2; plus strand). Cytogenetic location: 4q26.
Variant type: single nucleotide variant.
Coding change: c.8804C>T on transcript NM_001148.6 (MANE Select); coding-DNA position 8804, C replaced by T.
Protein change: p.Ser2935Phe; replaces serine 2935 with phenylalanine.
Molecular consequence: missense variant. On other transcripts: intron variant (68).
Genome position (GRCh38, 1-based): chr4:113,357,422, C>T. VCF-style: chr4-113357422-C-T. GRCh37 (hg19) VCF-style: chr4-114278578-C-T.
Other names: c.8570C>T, p.Ser2857Phe (NM_001386142.1); c.5204C>T, p.Ser1735Phe (NM_001386166.1); c.8945C>T, p.Ser2982Phe (NM_001386174.1); c.8921C>T, p.Ser2974Phe (NM_001386175.1); c.4412-3401C>T (NM_001386186.2, NM_001386148.2); c.4214-3401C>T (NM_001354269.3); c.4292-3401C>T (NM_001386187.2); c.4253-3401C>T (NM_001386147.1); and 35 more; short protein forms S1735F, S2982F, S2935F, S2974F, S2857F.
Identifiers: ClinVar variation 1934671 (VCV001934671.6), dbSNP rs1172427238, ClinGen allele CA357934869.

ClinVar aggregate classification (germline): Uncertain significance. Review status: criteria provided, multiple submitters, no conflicts (2 of 4 stars). 2 submissions from 2 submitters: Uncertain significance (2). Last evaluated 2025-03-03.

Conditions:
Long QT syndrome (LQTS). Identifiers: MedGen C0023976, MeSH D008133, MONDO:0002442. Disease mechanism: loss of function. Inheritance: Various modes of inheritance.
Cardiovascular phenotype. Identifiers: MedGen CN230736.

Allele frequency attached by ClinVar (database versions not stated): gnomAD exomes below 0.00001; TOPMed 0.00001; gnomAD 0.00002.
gnomAD v4.1: 8 of 1,613,920 alleles (0.0005%); highest among the groups gnomAD compares: Non-Finnish European, 0.00068%; no homozygotes.

Submissions (2):

Ambry Genetics
Classification: Uncertain significance for Cardiovascular phenotype. Last evaluated: 2025-03-03. Review status: criteria provided, single submitter. Criteria: Ambry Variant Classification Scheme 2023. Collection method: clinical testing. Allele origin: germline.
Comment: The p.S2935F variant (also known as c.8804C>T), located in coding exon 38 of the ANK2 gene, results from a C to T substitution at nucleotide position 8804. The serine at codon 2935 is replaced by phenylalanine, an amino acid with highly dissimilar properties. This amino acid position is conserved. In addition, this alteration is predicted to be tolerated by in silico analysis. Based on the available evidence, the clinical significance of this variant remains unclear.

Labcorp Genetics (formerly Invitae), Labcorp
Classification: Uncertain significance for Long QT syndrome. Last evaluated: 2024-09-15. Review status: criteria provided, single submitter. Criteria: Invitae Variant Classification Sherloc (09022015). Collection method: clinical testing. Allele origin: germline.
Comment: This sequence change replaces serine, which is neutral and polar, with phenylalanine, which is neutral and non-polar, at codon 2935 of the ANK2 protein (p.Ser2935Phe). This variant is present in population databases (no rsID available, gnomAD 0.002%). This variant has not been reported in the literature in individuals affected with ANK2-related conditions. ClinVar contains an entry for this variant (Variation ID: 1934671). An algorithm developed to predict the effect of missense changes on protein structure and function (PolyPhen-2) suggests that this variant is likely to be tolerated. In summary, the available evidence is currently insufficient to determine the role of this variant in disease. Therefore, it has been classified as a Variant of Uncertain Significance.